The following is an entry in ClinVar:

NM_052989.3(IFT122):c.1600G>A (p.Glu534Lys)

Gene: IFT122 (intraflagellar transport 122; plus strand). Cytogenetic location: 3q21.3.
Variant type: single nucleotide variant.
Coding change: c.1600G>A on transcript NM_052989.3 (MANE Select); coding-DNA position 1600, G replaced by A.
Protein change: p.Glu534Lys; replaces glutamic acid 534 with lysine.
Molecular consequence: missense variant.
Genome position (GRCh38, 1-based): chr3:129,481,641, G>A. VCF-style: chr3-129481641-G-A. GRCh37 (hg19) VCF-style: chr3-129200484-G-A.
Other names: c.1576G>A, p.Glu526Lys (NM_001280541.2); c.1150G>A, p.Glu384Lys (NM_001280545.2); c.973G>A, p.Glu325Lys (NM_001280546.2); c.1600G>A, p.Glu534Lys (NM_001410808.1, NM_001410809.1); c.1423G>A, p.Glu475Lys (NM_001410810.1, NM_001410811.1, NM_001410813.1 and 1 more transcripts); c.1267G>A, p.Glu423Lys (NM_001410815.1, NM_001410817.1, NM_052990.3); c.1753G>A, p.Glu585Lys (NM_052985.4); short protein forms E423K, E585K, E325K, E384K, E475K, E526K, E534K.
Identifiers: ClinVar variation 2110483 (VCV002110483.4), dbSNP rs2078658262, ClinGen allele CA354476326.

ClinVar aggregate classification (germline): Uncertain significance (1 of 4 stars; one submission).

Conditions:
Cranioectodermal dysplasia 1 (CED1). Also called: LEVIN SYNDROME I. Identifiers: Orphanet 1515, MedGen C0432235, MONDO:0021093, OMIM 218330.

Allele frequency attached by ClinVar (database versions not stated): gnomAD exomes below 0.00001; TOPMed below 0.00001.
gnomAD v4.1: 3 of 1,613,658 alleles (0.00019%); highest among the groups gnomAD compares: South Asian, 0.0033%; no homozygotes.

Submission:

Labcorp Genetics (formerly Invitae), Labcorp
Classification: Uncertain significance for Cranioectodermal dysplasia 1. Last evaluated: 2022-03-12. Review status: criteria provided, single submitter. Criteria: Invitae Variant Classification Sherloc (09022015). Collection method: clinical testing. Allele origin: germline.
Comment: In summary, the available evidence is currently insufficient to determine the role of this variant in disease. Therefore, it has been classified as a Variant of Uncertain Significance. Algorithms developed to predict the effect of missense changes on protein structure and function are either unavailable or do not agree on the potential impact of this missense change (SIFT: "Deleterious"; PolyPhen-2: "Probably Damaging"; Align-GVGD: "Class C15"). This variant has not been reported in the literature in individuals affected with IFT122-related conditions. This variant is not present in population databases (gnomAD no frequency). This sequence change replaces glutamic acid, which is acidic and polar, with lysine, which is basic and polar, at codon 585 of the IFT122 protein (p.Glu585Lys).